The following is an entry in ClinVar:

ClinVar aggregate classification (germline): Uncertain significance (1 of 4 stars; one submission).

Conditions:
Hearing impairment. Also called: Impaired Hearing. Identifiers: MedGen C1384666, MONDO:0005365, HP:0000365.

Allele frequency attached by ClinVar (database versions not stated): gnomAD exomes below 0.00001.
gnomAD v4.1: 1 of 1,614,018 alleles (0.000062%); highest among the groups gnomAD compares: South Asian, 0.0011%; no homozygotes.

Submission:

Department of Otolaryngology – Head & Neck Surgery, Cochlear Implant Center
Classification: Uncertain significance for Hearing impairment. Last evaluated: 2021-04-12. Review status: criteria provided, single submitter. Criteria: ClinGen HL ACMG Specifications v1. Collection method: clinical testing. Allele origin: germline. Affected: yes.
Comment: PM2_Moderate, BP4_Supporting

NM_206933.4(USH2A):c.8452C>T (p.Pro2818Ser)

Gene: USH2A (usherin; minus strand). Cytogenetic location: 1q41.
Variant type: single nucleotide variant.
Coding change: c.8452C>T on transcript NM_206933.4 (MANE Select); coding-DNA position 8452, C replaced by T.
Protein change: p.Pro2818Ser; replaces proline 2818 with serine.
Molecular consequence: missense variant.
Genome position (GRCh38, 1-based): chr1:215,878,870, G>A on the plus strand (C>T on the coding strand, the complement: USH2A is on the minus strand). VCF-style: chr1-215878870-G-A. GRCh37 (hg19) VCF-style: chr1-216052212-G-A.
Other names: short protein forms P2818S.
Identifiers: ClinVar variation 1064887 (VCV001064887.3), dbSNP rs1470809474, ClinGen allele CA344830851.